The following is an entry in ClinVar:

ClinVar aggregate classification (germline): Uncertain significance. Review status: criteria provided, multiple submitters, no conflicts (2 of 4 stars). 2 submissions from 2 submitters: Uncertain significance (2). Last evaluated 2025-08-13.

Conditions:
Candidiasis, familial, 9 (CANDF9). Identifiers: Orphanet 1334, MedGen C4225324, MONDO:0014642, OMIM 616445.

Allele frequency attached by ClinVar (database versions not stated): gnomAD 0.00003 and 0.00004; TOPMed 0.00005; ExAC 0.00010; gnomAD exomes 0.00010.
gnomAD v4.1: 72 of 1,605,176 alleles (0.0045%); highest among the groups gnomAD compares: South Asian, 0.045%; no homozygotes.

Submissions (2):

Ambry Genetics
Classification: Uncertain significance. Last evaluated: 2025-08-13. Review status: criteria provided, single submitter. Criteria: Ambry Variant Classification Scheme 2023. Collection method: clinical testing. Allele origin: germline.

Labcorp Genetics (formerly Invitae), Labcorp
Classification: Uncertain significance for Candidiasis, familial, 9. Last evaluated: 2025-03-30. Review status: criteria provided, single submitter. Criteria: Invitae Variant Classification Sherloc (09022015). Collection method: clinical testing. Allele origin: germline.
Comment: This sequence change replaces arginine, which is basic and polar, with leucine, which is neutral and non-polar, at codon 584 of the IL17RC protein (p.Arg584Leu). This variant is present in population databases (rs755109180, gnomAD 0.07%), and has an allele count higher than expected for a pathogenic variant. This variant has not been reported in the literature in individuals affected with IL17RC-related conditions. ClinVar contains an entry for this variant (Variation ID: 1374727). An algorithm developed to predict the effect of missense changes on protein structure and function (PolyPhen-2) suggests that this variant is likely to be disruptive. In summary, the available evidence is currently insufficient to determine the role of this variant in disease. Therefore, it has been classified as a Variant of Uncertain Significance.

NM_153460.4(IL17RC):c.1538G>T (p.Arg513Leu)

Gene: IL17RC (interleukin 17 receptor C; plus strand). Cytogenetic location: 3p25.3.
Variant type: single nucleotide variant.
Coding change: c.1538G>T on transcript NM_153460.4 (MANE Select); coding-DNA position 1538, G replaced by T.
Protein change: p.Arg513Leu; replaces arginine 513 with leucine.
Molecular consequence: missense variant. On other transcripts: non-coding transcript variant (1).
Genome position (GRCh38, 1-based): chr3:9,932,968, G>T. VCF-style: chr3-9932968-G-T. GRCh37 (hg19) VCF-style: chr3-9974652-G-T.
Other names: c.1499G>T, p.Arg500Leu (NM_001203263.2); c.1448G>T, p.Arg483Leu (NM_001203264.2); c.1442G>T, p.Arg481Leu (NM_001203265.2); c.1460G>T, p.Arg487Leu (NM_001367278.1); c.1379G>T, p.Arg460Leu (NM_001367279.1); c.1454G>T, p.Arg485Leu (NM_001367280.1); c.1493G>T, p.Arg498Leu (NM_032732.6); c.1751G>T, p.Arg584Leu (NM_153461.4); and 1 more; short protein forms R500L, R460L, R485L, R498L, R481L, R487L, R513L, R483L.
Identifiers: ClinVar variation 1374727 (VCV001374727.7), dbSNP rs755109180, ClinGen allele CA2247360.
Genomic context (GRCh38, chr3:9,932,968, plus strand): 5'-CTGTGCCAGCTCACCTCTTCCCTCCCCATCTGTTTTCTCCGGCAGCGGCCGCCAGGGGCC[G>T]CGCGGCTCTGCTCCTCTACTCAGCCGATGACTCGGGTTTCGAGCGCCTGGTGGGCGCCCT-3'
Protein context (NP_703190.2, residues 503-523): DVRSGAAARG[Arg513Leu]AALLLYSADD